The following is an entry in ClinVar:

NM_002354.3(EPCAM):c.521A>G (p.Tyr174Cys)

Gene: EPCAM (epithelial cell adhesion molecule; plus strand). Cytogenetic location: 2p21.
Variant type: single nucleotide variant.
Coding change: c.521A>G on transcript NM_002354.3 (MANE Select); coding-DNA position 521, A replaced by G.
Protein change: p.Tyr174Cys; replaces tyrosine 174 with cysteine.
Molecular consequence: missense variant.
Genome position (GRCh38, 1-based): chr2:47,377,043, A>G. VCF-style: chr2-47377043-A-G. GRCh37 (hg19) VCF-style: chr2-47604182-A-G.
Other names: short protein forms Y174C.
Identifiers: ClinVar variation 1746145 (VCV001746145.2), dbSNP rs2103753385, ClinGen allele CA346723998.

ClinVar aggregate classification (germline): Uncertain significance (1 of 4 stars; one submission).

Conditions:
Hereditary cancer-predisposing syndrome. Also called: Hereditary Cancer Syndrome; Neoplastic Syndromes, Hereditary; Tumor predisposition; Hereditary neoplastic syndrome. Identifiers: Orphanet 140162, MedGen C0027672, MeSH D009386, MONDO:0015356.

Allele frequency attached by ClinVar (database versions not stated): gnomAD exomes below 0.00001.

Submission:

Ambry Genetics
Classification: Uncertain significance for Hereditary cancer-predisposing syndrome. Last evaluated: 2022-01-11. Review status: criteria provided, single submitter. Criteria: Ambry Variant Classification Scheme 2023. Collection method: clinical testing. Allele origin: germline.
Comment: The p.Y174C variant (also known as c.521A>G), located in coding exon 5 of the EPCAM gene, results from an A to G substitution at nucleotide position 521. The tyrosine at codon 174 is replaced by cysteine, an amino acid with highly dissimilar properties. This amino acid position is conserved. In addition, this alteration is predicted to be deleterious by in silico analysis. Since supporting evidence is limited at this time, the clinical significance of this alteration remains unclear.